The following is an entry in ClinVar:

NM_022464.5(SIL1):c.1316A>G (p.Asp439Gly)

Gene: SIL1 (SIL1 nucleotide exchange factor; minus strand). Cytogenetic location: 5q31.2.
Variant type: single nucleotide variant.
Coding change: c.1316A>G on transcript NM_022464.5 (MANE Select); coding-DNA position 1316, A replaced by G.
Protein change: p.Asp439Gly; replaces aspartic acid 439 with glycine.
Molecular consequence: missense variant.
Genome position (GRCh38, 1-based): chr5:138,947,187, T>C on the plus strand (A>G on the coding strand, the complement: SIL1 is on the minus strand). VCF-style: chr5-138947187-T-C. GRCh37 (hg19) VCF-style: chr5-138282876-T-C.
Other names: c.1316A>G, p.Asp439Gly (NM_001037633.2); short protein forms D439G.
Identifiers: ClinVar variation 1715811 (VCV001715811.5), dbSNP rs1766651059, ClinGen allele CA361136463.

ClinVar aggregate classification (germline): Uncertain significance (1 of 4 stars; one submission).

Conditions:
Marinesco-Sjögren syndrome (MSS). Also called: Marinesco-SjÃ¶gren syndrome; Marinesco-Sjogren Syndrome. Identifiers: Orphanet 559, MedGen C0024814, MONDO:0009567, OMIM 248800.

Allele frequency attached by ClinVar (database versions not stated): TOPMed below 0.00001.

Submission:

Labcorp Genetics (formerly Invitae), Labcorp
Classification: Uncertain significance for Marinesco-Sjögren syndrome. Last evaluated: 2022-08-09. Review status: criteria provided, single submitter. Criteria: Invitae Variant Classification Sherloc (09022015). Collection method: clinical testing. Allele origin: germline.
Comment: This sequence change replaces aspartic acid, which is acidic and polar, with glycine, which is neutral and non-polar, at codon 439 of the SIL1 protein (p.Asp439Gly). In summary, the available evidence is currently insufficient to determine the role of this variant in disease. Therefore, it has been classified as a Variant of Uncertain Significance. Algorithms developed to predict the effect of missense changes on protein structure and function output the following: SIFT: "Tolerated"; PolyPhen-2: "Benign"; Align-GVGD: "Class C0". The glycine amino acid residue is found in multiple mammalian species, which suggests that this missense change does not adversely affect protein function. This variant has not been reported in the literature in individuals affected with SIL1-related conditions. This variant is not present in population databases (gnomAD no frequency).